The following is an entry in ClinVar:

ClinVar aggregate classification (germline): Uncertain significance (1 of 4 stars; one submission).

Conditions:
Multiple endocrine neoplasia, type 2 (MEN2). Identifiers: Orphanet 653, MedGen C4048306, MONDO:0019003. Disease mechanism: gain of function.

Submission:

Labcorp Genetics (formerly Invitae), Labcorp
Classification: Uncertain significance for Multiple endocrine neoplasia, type 2. Last evaluated: 2023-09-30. Review status: criteria provided, single submitter. Criteria: Invitae Variant Classification Sherloc (09022015). Collection method: clinical testing. Allele origin: germline.
Comment: This sequence change replaces valine, which is neutral and non-polar, with leucine, which is neutral and non-polar, at codon 1075 of the RET protein (p.Val1075Leu). This variant is not present in population databases (gnomAD no frequency). This variant has not been reported in the literature in individuals affected with RET-related conditions. An algorithm developed to predict the effect of missense changes on protein structure and function (PolyPhen-2) suggests that this variant is likely to be disruptive. In summary, the available evidence is currently insufficient to determine the role of this variant in disease. Therefore, it has been classified as a Variant of Uncertain Significance.

NM_020975.6(RET):c.3223G>C (p.Val1075Leu)

Gene: RET (ret proto-oncogene; plus strand). Cytogenetic location: 10q11.21.
Variant type: single nucleotide variant.
Coding change: c.3223G>C on transcript NM_020975.6 (MANE Select); coding-DNA position 3223, G replaced by C.
Protein change: p.Val1075Leu; replaces valine 1075 with leucine.
Molecular consequence: missense variant. On other transcripts: 3 prime UTR variant (18), intron variant (3).
Genome position (GRCh38, 1-based): chr10:43,128,147, G>C. VCF-style: chr10-43128147-G-C. GRCh37 (hg19) VCF-style: chr10-43623595-G-C.
Other names: c.3223G>C, p.Val1075Leu (NM_000323.2, NM_001406743.1); c.*1393G>C (NM_001355216.2, NM_001406764.1, NM_001406765.1 and 15 more transcripts); c.3163G>C, p.Val1055Leu (NM_001406759.1, NM_001406760.1); c.3094G>C, p.Val1032Leu (NM_001406761.1, NM_001406762.1); c.3088G>C, p.Val1030Leu (NM_001406763.1); c.2935G>C, p.Val979Leu (NM_001406766.1, NM_001406767.1); c.2827G>C, p.Val943Leu (NM_001406769.1); c.2785G>C, p.Val929Leu (NM_001406771.1); and 10 more; short protein forms V1030L, V1032L, V1055L, V572L, V592L, V733L, V979L, V680L.
Identifiers: ClinVar variation 2781178 (VCV002781178.3), dbSNP rs2133048144, ClinGen allele CA376558897.